The following is an entry in ClinVar:

NM_007074.4(CORO1A):c.3G>A (p.Met1Ile)

Gene: CORO1A (coronin 1A; plus strand). Cytogenetic location: 16p11.2.
Variant type: single nucleotide variant.
Coding change: c.3G>A on transcript NM_007074.4 (MANE Select); coding-DNA position 3, G replaced by A.
Protein change: p.Met1Ile; changes the start codon (methionine 1).
Molecular consequence: missense variant, initiator codon variant.
Genome position (GRCh38, 1-based): chr16:30,185,212, G>A. VCF-style: chr16-30185212-G-A. GRCh37 (hg19) VCF-style: chr16-30196533-G-A.
Other names: c.3G>A, p.Met1Ile (NM_001193333.3); short protein forms M1I.
Identifiers: ClinVar variation 3658357 (VCV003658357.2).

ClinVar aggregate classification (germline): Pathogenic (1 of 4 stars; one submission).

Conditions:
Severe combined immunodeficiency due to CORO1A deficiency. Also called: Immunodeficiency 8; IMMUNODEFICIENCY 8 WITH LYMPHOPROLIFERATION. Identifiers: Orphanet 228003, MedGen C3809383, MONDO:0014168, OMIM 615401.

Submission:

Labcorp Genetics (formerly Invitae), Labcorp
Classification: Pathogenic for Severe combined immunodeficiency due to CORO1A deficiency. Last evaluated: 2024-06-30. Review status: criteria provided, single submitter. Criteria: Invitae Variant Classification Sherloc (09022015). Collection method: clinical testing. Allele origin: germline.
Comment: This sequence change affects the initiator methionine of the CORO1A mRNA. The next in-frame methionine is located at codon 107. This variant is not present in population databases (gnomAD no frequency). This variant has not been reported in the literature in individuals affected with CORO1A-related conditions. This variant disrupts a region of the CORO1A protein in which other variant(s) (p.Arg12Leu) have been determined to be pathogenic (PMID: 25666293; Invitae). This suggests that this is a clinically significant region of the protein, and that variants that disrupt it are likely to be disease-causing. For these reasons, this variant has been classified as Pathogenic.

Literature cited by the submitters: PubMed 25666293.